The following is an entry in ClinVar:

NM_001161.5(NUDT2):c.407AAG[1] (p.Glu137del)

Gene: NUDT2 (nudix hydrolase 2; plus strand). Cytogenetic location: 9p13.3.
Variant type: Microsatellite.
Coding change: c.407AAG[1] on transcript NM_001161.5 (MANE Select); one copy of the 3-base unit AAG starting at c.407; the reference has two copies in a row; one copy, 3 bases deleted; also written c.410_412del.
Protein change: p.Glu137del; deletes glutamic acid 137.
Molecular consequence: inframe deletion.
Genome position (GRCh38, 1-based): chr9:34,343,406-34,343,408, AAG deleted; deleting any 3 consecutive bases within chr9:34,343,403-34,343,408 gives the same sequence; the position shown is the placement nearest the transcript's 3' end. VCF-style (leftmost placement, unchanged base first): chr9-34343402-CAAG-C. GRCh37 (hg19) VCF-style: chr9-34343400-CAAG-C.
Other names: p.Glu137del; 3-BP DEL, 410AAG; c.410_412del (NM_001161.5); c.407AAG[1], p.Glu137del (NM_001244390.2, NM_147172.3, NM_147173.3); c.410_412delAAG (NM_001161.5); short protein forms E137del.
Identifiers: ClinVar variation 2506450 (VCV002506450.4), dbSNP rs1355517127, ClinGen allele CA373237465.

ClinVar aggregate classification (germline): Uncertain significance. Review status: criteria provided, single submitter (1 of 4 stars). 3 submissions from 3 submitters: Uncertain significance (1). 2 of the submissions do not count toward it. Last evaluated 2024-12-31.

Conditions:
Intellectual developmental disorder with or without peripheral neuropathy (IDDPN). Identifiers: Orphanet 694937, MedGen C5676969, MONDO:0859240, OMIM 619844.

Submissions (3):

Foundation for Research in Genetics and Endocrinology, FRIGE's Institute of Human Genetics
Classification: Uncertain significance for Intellectual developmental disorder with or without peripheral neuropathy. Last evaluated: 2024-12-31. Review status: criteria provided, single submitter. Criteria: ACMG Guidelines, 2015. Collection method: clinical testing. Allele origin: germline. Inheritance: Autosomal recessive inheritance. Affected: yes. Observed: 1 homozygote.
Comment: A homozygous three base pair deletion (c.410_412del) in exon 5 of the NUDT2 gene that results in deletion of amino acid glutamic acid at codon 137 was detected (p.Glu137del). This variant has not been reported in the 1000 genomes and has a MAF of 0.0004% in the gnomAD database. The in-silico prediction of the variant is damaging MutationTaster2. The reference region is conserved across species. In summary, the variant meets our criteria to be classified as a variant of uncertain significance.

OMIM
Classification: Pathogenic for INTELLECTUAL DEVELOPMENTAL DISORDER WITHOUT PERIPHERAL NEUROPATHY. Last evaluated: 2025-04-16. Review status: no assertion criteria provided. Collection method: literature only. Allele origin: germline. Not counted in ClinVar's aggregate classification.

Houlden Lab, UCL Institute of Neurology
Classification: Uncertain significance for Intellectual developmental disorder with or without peripheral neuropathy. Review status: no assertion criteria provided. Collection method: research. Allele origin: germline. Affected: yes. Not counted in ClinVar's aggregate classification.

Literature cited by the submitters: PubMed 38141063 (cited by OMIM).